The following is an entry in ClinVar:

ClinVar aggregate classification (germline): Benign. Review status: criteria provided, single submitter (1 of 4 stars). 2 submissions from 2 submitters: Benign (1). 1 of the submissions does not count toward it. Last evaluated 2024-11-30.

Conditions:
AP5Z1-related disorder. Also called: AP5Z1-related condition.
Hereditary spastic paraplegia 48. Also called: SPASTIC PARAPLEGIA 48, AUTOSOMAL RECESSIVE; Spastic paraplegia 48. Identifiers: Orphanet 306511, MedGen C3150901, MONDO:0013342, OMIM 613647.

Allele frequency attached by ClinVar (database versions not stated): gnomAD exomes 0.00047; 1000 Genomes Project 30x 0.00062; 1000 Genomes Project 0.00080.
gnomAD v4.1: 366 of 1,590,954 alleles (0.023%); highest among the groups gnomAD compares: South Asian, 0.4%; 4 homozygotes.

Submissions (2):

Labcorp Genetics (formerly Invitae), Labcorp
Classification: Benign for Hereditary spastic paraplegia 48. Last evaluated: 2024-11-30. Review status: criteria provided, single submitter. Criteria: Invitae Variant Classification Sherloc (09022015). Collection method: clinical testing. Allele origin: germline.

PreventionGenetics, part of Exact Sciences
Classification: Likely benign for AP5Z1-related condition. Last evaluated: 2019-04-24. Review status: no assertion criteria provided. Collection method: clinical testing. Allele origin: germline. Not counted in ClinVar's aggregate classification.
Comment: This variant is classified as likely benign based on ACMG/AMP sequence variant interpretation guidelines (Richards et al. 2015 PMID: 25741868, with internal and published modifications).

NM_014855.3(AP5Z1):c.1566G>T (p.Leu522=)

Gene: AP5Z1 (adaptor related protein complex 5 subunit zeta 1; plus strand). Cytogenetic location: 7p22.1.
Variant type: single nucleotide variant.
Coding change: c.1566G>T on transcript NM_014855.3 (MANE Select); coding-DNA position 1566, G replaced by T.
Protein change: p.Leu522=; no amino-acid change (leucine 522 retained).
Molecular consequence: synonymous variant. On other transcripts: non-coding transcript variant (1).
Genome position (GRCh38, 1-based): chr7:4,788,265, G>T. VCF-style: chr7-4788265-G-T. GRCh37 (hg19) VCF-style: chr7-4827896-G-T.
Other names: c.1566G>T (NM_014855.2); c.1098G>T, p.Leu366= (NM_001364858.1).
Identifiers: ClinVar variation 1599906 (VCV001599906.10), dbSNP rs563984280, ClinGen allele CA4137870.